The following is an entry in ClinVar:

NM_004448.4(ERBB2):c.1207C>A (p.Leu403Met)

Gene: ERBB2 (erb-b2 receptor tyrosine kinase 2; plus strand). Cytogenetic location: 17q12.
Variant type: single nucleotide variant.
Coding change: c.1207C>A on transcript NM_004448.4 (MANE Select); coding-DNA position 1207, C replaced by A.
Protein change: p.Leu403Met; replaces leucine 403 with methionine.
Molecular consequence: missense variant. On other transcripts: non-coding transcript variant (1).
Genome position (GRCh38, 1-based): chr17:39,715,344, C>A. VCF-style: chr17-39715344-C-A. GRCh37 (hg19) VCF-style: chr17-37871597-C-A.
Other names: c.1117C>A, p.Leu373Met (NM_001005862.3, NM_001289938.2, NM_001382782.1 and 1 more transcripts); c.1162C>A, p.Leu388Met (NM_001289936.2); c.1207C>A, p.Leu403Met (NM_001289937.2, NM_001382785.1, NM_001382797.1 and 14 more transcripts); c.1324C>A, p.Leu442Met (NM_001382784.1, NM_001382786.1); c.1027C>A, p.Leu343Met (NM_001382799.1); c.949C>A, p.Leu317Met (NM_001382802.1); c.379C>A, p.Leu127Met (NM_001382804.1); c.1282C>A, p.Leu428Met (NM_001382787.1); and 1 more; short protein forms L403M, L428M, L442M, L373M, L317M, L343M, L388M, L400M.
Identifiers: ClinVar variation 2895294 (VCV002895294.3), dbSNP rs377649991, ClinGen allele CA290430370.

ClinVar aggregate classification (germline): Uncertain significance (1 of 4 stars; one submission).

Allele frequency attached by ClinVar (database versions not stated): TOPMed 0.00002; ESP Exome Variant Server 0.00008.
gnomAD v4.1: 4 of 1,613,954 alleles (0.00025%); highest among the groups gnomAD compares: Non-Finnish European, 0.00034%; no homozygotes.

Submission:

Labcorp Genetics (formerly Invitae), Labcorp
Classification: Uncertain significance. Last evaluated: 2024-12-02. Review status: criteria provided, single submitter. Criteria: Invitae Variant Classification Sherloc (09022015). Collection method: clinical testing. Allele origin: germline.
Comment: This sequence change replaces leucine, which is neutral and non-polar, with methionine, which is neutral and non-polar, at codon 403 of the ERBB2 protein (p.Leu403Met). This variant is not present in population databases (gnomAD no frequency). This variant has not been reported in the literature in individuals affected with ERBB2-related conditions. ClinVar contains an entry for this variant (Variation ID: 2895294). Invitae Evidence Modeling of protein sequence and biophysical properties (such as structural, functional, and spatial information, amino acid conservation, physicochemical variation, residue mobility, and thermodynamic stability) indicates that this missense variant is expected to disrupt ERBB2 protein function with a positive predictive value of 80%. In summary, the available evidence is currently insufficient to determine the role of this variant in disease. Therefore, it has been classified as a Variant of Uncertain Significance.